The following is an entry in ClinVar:

NM_001130438.3(SPTAN1):c.1121C>A (p.Thr374Asn)

Gene: SPTAN1 (spectrin alpha, non-erythrocytic 1; plus strand). Cytogenetic location: 9q34.11.
Variant type: single nucleotide variant.
Coding change: c.1121C>A on transcript NM_001130438.3 (MANE Select); coding-DNA position 1121, C replaced by A.
Protein change: p.Thr374Asn; replaces threonine 374 with asparagine.
Molecular consequence: missense variant.
Genome position (GRCh38, 1-based): chr9:128,578,145, C>A. VCF-style: chr9-128578145-C-A. GRCh37 (hg19) VCF-style: chr9-131340424-C-A.
Other names: c.1121C>A, p.Thr374Asn (NM_001195532.2, NM_001363759.2, NM_001363765.2 and 5 more transcripts); c.1157C>A, p.Thr386Asn (NM_001375312.2, NM_001375318.1); short protein forms T374N, T386N.
Identifiers: ClinVar variation 1721253 (VCV001721253.5), dbSNP rs2541067513, ClinGen allele CA375051474.

ClinVar aggregate classification (germline): Uncertain significance (1 of 4 stars; one submission).

Conditions:
Early-infantile DEE. Also called: Early infantile epileptic encephalopathy with suppression bursts; Early infantile epileptic encephalopathy; Ohtahara syndrome. Identifiers: Orphanet 1934, MedGen C0393706, MONDO:0800491.

Submission:

Labcorp Genetics (formerly Invitae), Labcorp
Classification: Uncertain significance for Early-infantile DEE. Last evaluated: 2022-10-08. Review status: criteria provided, single submitter. Criteria: Invitae Variant Classification Sherloc (09022015). Collection method: clinical testing. Allele origin: germline.
Comment: Advanced modeling of protein sequence and biophysical properties (such as structural, functional, and spatial information, amino acid conservation, physicochemical variation, residue mobility, and thermodynamic stability) has been performed at Invitae for this missense variant, however the output from this modeling did not meet the statistical confidence thresholds required to predict the impact of this variant on SPTAN1 protein function. In summary, the available evidence is currently insufficient to determine the role of this variant in disease. Therefore, it has been classified as a Variant of Uncertain Significance. This variant has not been reported in the literature in individuals affected with SPTAN1-related conditions. This variant is not present in population databases (gnomAD no frequency). This sequence change replaces threonine, which is neutral and polar, with asparagine, which is neutral and polar, at codon 374 of the SPTAN1 protein (p.Thr374Asn).